The following is an entry in ClinVar:

NM_004655.4(AXIN2):c.956+3_956+6del

Gene: AXIN2 (axin 2; minus strand). Cytogenetic location: 17q24.1.
Variant type: Deletion.
Coding change: c.956+3_956+6del on transcript NM_004655.4 (MANE Select); bases 3 to 6 of the intron after coding-DNA position 956, 4 bases deleted (GAGT; older notation c.956+3_956+6delGAGT).
Molecular consequence: splice donor variant.
Genome position (GRCh38, 1-based): chr17:65,549,514-65,549,517, ACTC deleted on the plus strand (GAGT on the coding strand, the reverse complement: AXIN2 is on the minus strand); deleting any 4 consecutive bases within chr17:65,549,514-65,549,519 gives the same sequence; the c. name uses the placement nearest the transcript's 3' end. VCF-style (leftmost placement, unchanged base first): chr17-65549513-TACTC-T. GRCh37 (hg19) VCF-style: chr17-63545631-TACTC-T.
Other names: c.956+3_956+6del (NM_001363813.1).
Identifiers: ClinVar variation 3726240 (VCV003726240.2).

ClinVar aggregate classification (germline): Uncertain significance (1 of 4 stars; one submission).

Conditions:
Oligodontia-cancer predisposition syndrome. Also called: TOOTH AGENESIS-COLORECTAL CANCER SYNDROME. Identifiers: Orphanet 300576, MedGen C1837750, MONDO:0012075, OMIM 608615. Disease mechanism: loss of function.

Submission:

Labcorp Genetics (formerly Invitae), Labcorp
Classification: Uncertain significance for Oligodontia-cancer predisposition syndrome. Last evaluated: 2024-11-27. Review status: criteria provided, single submitter. Criteria: Invitae Variant Classification Sherloc (09022015). Collection method: clinical testing. Allele origin: germline.
Comment: This sequence change falls in intron 3 of the AXIN2 gene. It does not directly change the encoded amino acid sequence of the AXIN2 protein. This variant is not present in population databases (gnomAD no frequency). This variant has not been reported in the literature in individuals affected with AXIN2-related conditions. Studies have shown that this variant is associated with altered splicing resulting in multiple RNA products (internal data). In summary, the available evidence is currently insufficient to determine the role of this variant in disease. Therefore, it has been classified as a Variant of Uncertain Significance.